The following is an entry in ClinVar:

ClinVar aggregate classification (germline): Uncertain significance (1 of 4 stars; one submission).

Allele frequency attached by ClinVar (database versions not stated): gnomAD exomes below 0.00001.
gnomAD v4.1: 1 of 1,607,844 alleles (0.000062%); highest among the groups gnomAD compares: African/African-American, 0.0013%; no homozygotes.

Submission:

Labcorp Genetics (formerly Invitae), Labcorp
Classification: Uncertain significance. Last evaluated: 2025-02-24. Review status: criteria provided, single submitter. Criteria: Invitae Variant Classification Sherloc (09022015). Collection method: clinical testing. Allele origin: germline.
Comment: This sequence change replaces threonine, which is neutral and polar, with proline, which is neutral and non-polar, at codon 607 of the CARMIL2 protein (p.Thr607Pro). This variant is not present in population databases (gnomAD no frequency). This variant has not been reported in the literature in individuals affected with CARMIL2-related conditions. ClinVar contains an entry for this variant (Variation ID: 2015538). Invitae Evidence Modeling of protein sequence and biophysical properties (such as structural, functional, and spatial information, amino acid conservation, physicochemical variation, residue mobility, and thermodynamic stability) indicates that this missense variant is not expected to disrupt CARMIL2 protein function with a negative predictive value of 80%. In summary, the available evidence is currently insufficient to determine the role of this variant in disease. Therefore, it has been classified as a Variant of Uncertain Significance.

NM_001013838.3(CARMIL2):c.1819A>C (p.Thr607Pro)

Gene: CARMIL2 (capping protein regulator and myosin 1 linker 2; plus strand). Cytogenetic location: 16q22.1.
Variant type: single nucleotide variant.
Coding change: c.1819A>C on transcript NM_001013838.3 (MANE Select); coding-DNA position 1819, A replaced by C.
Protein change: p.Thr607Pro; replaces threonine 607 with proline.
Molecular consequence: missense variant.
Genome position (GRCh38, 1-based): chr16:67,649,519, A>C. VCF-style: chr16-67649519-A-C. GRCh37 (hg19) VCF-style: chr16-67683422-A-C.
Other names: c.1711A>C, p.Thr571Pro (NM_001317026.3); short protein forms T571P, T607P.
Identifiers: ClinVar variation 2015538 (VCV002015538.4), dbSNP rs2543553821, ClinGen allele CA396337751.